The following is an entry in ClinVar:

NM_001267550.2(TTN):c.31763-1G>C

Gene: TTN (titin; minus strand). Cytogenetic location: 2q31.2.
Variant type: single nucleotide variant.
Coding change: c.31763-1G>C on transcript NM_001267550.2 (MANE Select); the canonical splice acceptor site of the intron before coding-DNA position 31763, G replaced by C.
Molecular consequence: splice acceptor variant. On other transcripts: intron variant (3).
Genome position (GRCh38, 1-based): chr2:178,689,897, C>G on the plus strand (G>C on the coding strand, the complement: TTN is on the minus strand). VCF-style: chr2-178689897-C-G. GRCh37 (hg19) VCF-style: chr2-179554624-C-G.
Other names: c.13283-47580G>C (NM_003319.4); c.13859-47580G>C (NM_133437.4); c.13658-47580G>C (NM_133432.3); c.28031-1G>C (NM_133378.4); c.30812-1G>C (NM_001256850.1).
Identifiers: ClinVar variation 4975412 (VCV004975412.1).

ClinVar aggregate classification (germline): Uncertain significance (1 of 4 stars; one submission).

gnomAD v4.1: 1 of 1,612,690 alleles (0.000062%); highest among the groups gnomAD compares: Admixed American, 0.0017%; no homozygotes.

Submission:

GeneDx
Classification: Uncertain significance. Last evaluated: 2026-01-30. Review status: criteria provided, single submitter. Criteria: GeneDx Variant Classification Process June 2021. Collection method: clinical testing. Allele origin: germline.
Comment: Not observed at significant frequency in large population cohorts (gnomAD); Canonical splice site variant in a region of a gene for which loss of function is not a well-established mechanism of disease; Has not been previously published as pathogenic or benign to our knowledge